The following is an entry in ClinVar:

ClinVar aggregate classification (germline): Uncertain significance (1 of 4 stars; one submission).

Conditions:
Aicardi-Goutieres syndrome 2. Identifiers: Orphanet 51, MedGen C3489724, MONDO:0012429, OMIM 610181.

Allele frequency attached by ClinVar (database versions not stated): gnomAD exomes below 0.00001.
gnomAD v4.1: 1 of 1,613,488 alleles (0.000062%); highest among the groups gnomAD compares: East Asian, 0.0022%; no homozygotes.

Submission:

Neuberg Centre For Genomic Medicine, NCGM
Classification: Uncertain significance for Aicardi-Goutieres syndrome 2. Review status: criteria provided, single submitter. Criteria: ACMG Guidelines, 2015. Collection method: clinical testing. Allele origin: germline. Inheritance: Autosomal recessive inheritance. Affected: yes.
Comment: The missense variant c.162T>A (p.Asn54Lys) in RNASEH2B gene has not been reported previously as a pathogenic variant nor as a benign variant, to our knowledge. This variant is novel (not in any individuals) in gnomAD Exomes and 1000 Genomes. The amino acid Asparagine at position 54 is changed to a Lysine changing protein sequence and it might alter its composition and physico-chemical properties. The variant is predicted to be damaging by PolyPhen2. The residue is conserved across species. For these reasons, this variant has been classified as Uncertain Significance.

NM_024570.4(RNASEH2B):c.162T>A (p.Asn54Lys)

Gene: RNASEH2B (ribonuclease H2 subunit B; plus strand). Cytogenetic location: 13q14.3.
Variant type: single nucleotide variant.
Coding change: c.162T>A on transcript NM_024570.4 (MANE Select); coding-DNA position 162, T replaced by A.
Protein change: p.Asn54Lys; replaces asparagine 54 with lysine.
Molecular consequence: missense variant.
Genome position (GRCh38, 1-based): chr13:50,929,500, T>A. VCF-style: chr13-50929500-T-A. GRCh37 (hg19) VCF-style: chr13-51503636-T-A.
Other names: c.162T>A, p.Asn54Lys (NM_001142279.2, NM_001411023.1); short protein forms N54K.
Identifiers: ClinVar variation 2585346 (VCV002585346.1), dbSNP rs2541495437, ClinGen allele CA388258716.